The following is an entry in ClinVar:

ClinVar aggregate classification (germline): Uncertain significance (1 of 4 stars; one submission).

Allele frequency attached by ClinVar (database versions not stated): gnomAD exomes below 0.00001.
gnomAD v4.1: 2 of 1,610,274 alleles (0.00012%); highest among the groups gnomAD compares: Non-Finnish European, 0.00017%; no homozygotes.

Submission:

Athena Diagnostics
Classification: Uncertain significance. Last evaluated: 2024-05-03. Review status: criteria provided, single submitter. Criteria: Athena Diagnostics Criteria. Collection method: clinical testing. Allele origin: unknown.
Comment: Available data are insufficient to determine the clinical significance of the variant at this time. The frequency of this variant in the general population is uninformative in assessment of its pathogenicity. Computational tools yielded predictions that this variant is unlikely to have an effect on normal RNA splicing.

NM_006946.4(SPTBN2):c.4015-7C>T

Gene: SPTBN2 (spectrin beta, non-erythrocytic 2; minus strand). Cytogenetic location: 11q13.2.
Variant type: single nucleotide variant.
Coding change: c.4015-7C>T on transcript NM_006946.4 (MANE Select); 7 bases into the intron before coding-DNA position 4015, C replaced by T.
Molecular consequence: intron variant.
Genome position (GRCh38, 1-based): chr11:66,696,547, G>A on the plus strand (C>T on the coding strand, the complement: SPTBN2 is on the minus strand). VCF-style: chr11-66696547-G-A. GRCh37 (hg19) VCF-style: chr11-66464018-G-A.
Identifiers: ClinVar variation 1806941 (VCV001806941.2), dbSNP rs1940924540, ClinGen allele CA938996875.